The following is an entry in ClinVar:

ClinVar aggregate classification (germline): Uncertain significance (1 of 4 stars; one submission).

Conditions:
Inborn genetic diseases. Identifiers: MedGen C0950123, MeSH D030342.

Submission:

Ambry Genetics
Classification: Uncertain significance for Inborn genetic diseases. Last evaluated: 2022-11-30. Review status: criteria provided, single submitter. Criteria: Ambry Variant Classification Scheme 2023. Collection method: clinical testing. Allele origin: germline.
Comment: The p.A426D variant (also known as c.1277C>A), located in coding exon 10 of the EPAS1 gene, results from a C to A substitution at nucleotide position 1277. The alanine at codon 426 is replaced by aspartic acid, an amino acid with dissimilar properties. This amino acid position is conserved. In addition, this alteration is predicted to be tolerated by in silico analysis. Since supporting evidence is limited at this time, the clinical significance of this alteration remains unclear.

NM_001430.5(EPAS1):c.1277C>A (p.Ala426Asp)

Gene: EPAS1 (endothelial PAS domain protein 1; plus strand). Cytogenetic location: 2p21.
Variant type: single nucleotide variant.
Coding change: c.1277C>A on transcript NM_001430.5 (MANE Select); coding-DNA position 1277, C replaced by A.
Protein change: p.Ala426Asp; replaces alanine 426 with aspartic acid.
Molecular consequence: missense variant.
Genome position (GRCh38, 1-based): chr2:46,377,921, C>A. VCF-style: chr2-46377921-C-A. GRCh37 (hg19) VCF-style: chr2-46605060-C-A.
Other names: short protein forms A426D.
Identifiers: ClinVar variation 2450295 (VCV002450295.2), dbSNP rs2103667120, ClinGen allele CA346703662.